The following is an entry in ClinVar:

ClinVar aggregate classification (germline): Likely pathogenic (1 of 4 stars; one submission).

Conditions:
Autoimmune lymphoproliferative syndrome, type III caused by mutation in PRKCD. Identifiers: Orphanet 3261, Orphanet 664711, MedGen C3809928, MONDO:8000024, OMIM 615559.

Submission:

Labcorp Genetics (formerly Invitae), Labcorp
Classification: Likely pathogenic for Autoimmune lymphoproliferative syndrome, type III caused by mutation in PRKCD. Last evaluated: 2024-05-07. Review status: criteria provided, single submitter. Criteria: Invitae Variant Classification Sherloc (09022015). Collection method: clinical testing. Allele origin: germline.
Comment: This sequence change affects a donor splice site in intron 8 of the PRKCD gene. It is expected to disrupt RNA splicing. Variants that disrupt the donor or acceptor splice site typically lead to a loss of protein function (PMID: 16199547), and loss-of-function variants in PRKCD are known to be pathogenic (PMID: 11976687, 23319571, 23430113). This variant is not present in population databases (gnomAD no frequency). This variant has not been reported in the literature in individuals affected with PRKCD-related conditions. Algorithms developed to predict the effect of sequence changes on RNA splicing suggest that this variant may disrupt the consensus splice site. In summary, the currently available evidence indicates that the variant is pathogenic, but additional data are needed to prove that conclusively. Therefore, this variant has been classified as Likely Pathogenic.

Literature cited by the submitters: PubMed 16199547; PubMed 11976687; PubMed 23319571; PubMed 23430113.

NM_006254.4(PRKCD):c.657+1G>A

Gene: PRKCD (protein kinase C delta; plus strand). Cytogenetic location: 3p21.1.
Variant type: single nucleotide variant.
Coding change: c.657+1G>A on transcript NM_006254.4 (MANE Select); the canonical splice donor site of the intron after coding-DNA position 657, G replaced by A.
Molecular consequence: splice donor variant.
Genome position (GRCh38, 1-based): chr3:53,183,207, G>A. VCF-style: chr3-53183207-G-A. GRCh37 (hg19) VCF-style: chr3-53217223-G-A.
Other names: c.657+1G>A (NM_001354680.2, NM_001354679.2, NM_212539.2 and 1 more transcripts); c.714+1G>A (NM_001354676.2); c.705+1G>A (NM_001354678.2).
Identifiers: ClinVar variation 3652522 (VCV003652522.2).
Genomic context (GRCh38, chr3:53,183,207, plus strand): 5'-TGCATCGACAAGATCATCGGCAGATGCACTGGCACCGCGGCCAACAGCCGGGACACTATA[G>A]TGAGCCTGGGTCCGGGGCAGGGCTGGGGATCTGGGGGGCTTGGCCAGATGGGAGGGATTT-3'